The following is an entry in ClinVar:

NM_003680.4(YARS1):c.1214G>T (p.Gly405Val)

Gene: YARS1 (tyrosyl-tRNA synthetase 1; minus strand). Cytogenetic location: 1p35.1.
Variant type: single nucleotide variant.
Coding change: c.1214G>T on transcript NM_003680.4 (MANE Select); coding-DNA position 1214, G replaced by T.
Protein change: p.Gly405Val; replaces glycine 405 with valine.
Molecular consequence: missense variant.
Genome position (GRCh38, 1-based): chr1:32,780,205, C>A on the plus strand (G>T on the coding strand, the complement: YARS1 is on the minus strand). VCF-style: chr1-32780205-C-A. GRCh37 (hg19) VCF-style: chr1-33245806-C-A.
Other names: short protein forms G405V.
Identifiers: ClinVar variation 3774639 (VCV003774639.2).

ClinVar aggregate classification (germline): Uncertain significance. Review status: criteria provided, multiple submitters, no conflicts (2 of 4 stars). 2 submissions from 2 submitters: Uncertain significance (2). Last evaluated 2025-05-20.

Conditions:
Inborn genetic diseases. Identifiers: MedGen C0950123, MeSH D030342.

Submissions (2):

Ambry Genetics
Classification: Uncertain significance for Inborn genetic diseases. Last evaluated: 2025-05-20. Review status: criteria provided, single submitter. Criteria: Ambry Variant Classification Scheme 2023. Collection method: clinical testing. Allele origin: germline.

GeneDx
Classification: Uncertain significance. Last evaluated: 2024-09-26. Review status: criteria provided, single submitter. Criteria: GeneDx Variant Classification Process June 2021. Collection method: clinical testing. Allele origin: germline. Affected: yes.
Comment: Not observed at significant frequency in large population cohorts (gnomAD); In silico analysis supports that this missense variant has a deleterious effect on protein structure/function; Has not been previously published as pathogenic or benign to our knowledge; This variant is associated with the following publications: (PMID: 16429158)